The following is an entry in ClinVar:

NC_000008.10:g.(?_100146850)_(100221906_?)del

Gene: VPS13B (vacuolar protein sorting 13 homolog B; plus strand). Cytogenetic location: 8q22.2.
Variant type: Deletion.
Identifiers: ClinVar variation 1456599 (VCV001456599.6).

ClinVar aggregate classification (germline): Pathogenic (1 of 4 stars; one submission).

Conditions:
Cohen syndrome (COH1). Also called: PEPPER SYNDROME; Cutis verticis gyrata, retinitis pigmentosa, and sensorineural deafness. Identifiers: Orphanet 193, MedGen C0265223, MONDO:0008999, OMIM 216550.

Submission:

Labcorp Genetics (formerly Invitae), Labcorp
Classification: Pathogenic for Cohen syndrome. Last evaluated: 2021-02-12. Review status: criteria provided, single submitter. Criteria: Invitae Variant Classification Sherloc (09022015). Collection method: clinical testing. Allele origin: germline.
Comment: This variant has not been reported in the literature in individuals with VPS13B-related conditions. This variant is a gross deletion of the genomic region encompassing exon(s) 9-17 of the VPS13B gene. This deletion is out-of-frame, and is expected to create a premature translational stop signal and result in an absent or disrupted protein product. Loss-of-function variants in VPS13B are known to be pathogenic (PMID: 15141358, 16648375, 20461111). For these reasons, this variant has been classified as Pathogenic.

Literature cited by the submitters: PubMed 15141358; PubMed 16648375; PubMed 20461111.